The following is an entry in ClinVar:

ClinVar aggregate classification (germline): Uncertain significance (1 of 4 stars; one submission).

Conditions:
MHC class II deficiency. Also called: Bare lymphocyte syndrome 2; BLS, TYPE II. Identifiers: Orphanet 572, MedGen C5447452, MONDO:0008855.

Allele frequency attached by ClinVar (database versions not stated): TOPMed 0.00003; gnomAD 0.00004 and 0.00005; 1000 Genomes Project 30x 0.00016; 1000 Genomes Project 0.00020.

Submission:

Labcorp Genetics (formerly Invitae), Labcorp
Classification: Uncertain significance for MHC class II deficiency. Last evaluated: 2022-04-25. Review status: criteria provided, single submitter. Criteria: Invitae Variant Classification Sherloc (09022015). Collection method: clinical testing. Allele origin: germline.
Comment: This sequence change replaces arginine, which is basic and polar, with histidine, which is basic and polar, at codon 201 of the CIITA protein (p.Arg201His). This variant is present in population databases (rs563299137, gnomAD 0.06%), including at least one homozygous and/or hemizygous individual. This variant has not been reported in the literature in individuals affected with CIITA-related conditions. ClinVar contains an entry for this variant (Variation ID: 639535). Algorithms developed to predict the effect of missense changes on protein structure and function output the following: SIFT: "Tolerated"; PolyPhen-2: "Benign"; Align-GVGD: "Class C0". The histidine amino acid residue is found in multiple mammalian species, which suggests that this missense change does not adversely affect protein function. In summary, the available evidence is currently insufficient to determine the role of this variant in disease. Therefore, it has been classified as a Variant of Uncertain Significance.

NM_000246.4(CIITA):c.602G>A (p.Arg201His)

Gene: CIITA (class II major histocompatibility complex transactivator; plus strand). Cytogenetic location: 16p13.13.
Variant type: single nucleotide variant.
Coding change: c.602G>A on transcript NM_000246.4 (MANE Select); coding-DNA position 602, G replaced by A.
Protein change: p.Arg201His; replaces arginine 201 with histidine.
Molecular consequence: missense variant. On other transcripts: non-coding transcript variant (1), intron variant (3).
Genome position (GRCh38, 1-based): chr16:10,902,158, G>A. VCF-style: chr16-10902158-G-A. GRCh37 (hg19) VCF-style: chr16-10996015-G-A.
Other names: c.605G>A, p.Arg202His (NM_001286402.1, NM_001379332.1); c.602G>A, p.Arg201His (NM_001379333.1); c.533G>A, p.Arg178His (NM_001379334.1); c.485-500G>A (NM_001379330.1); c.482-500G>A (NM_001379331.1, NM_001286403.2); short protein forms R202H, R201H, R178H.
Identifiers: ClinVar variation 639535 (VCV000639535.3), dbSNP rs563299137, ClinGen allele CA7899820.
Genomic context (GRCh38, chr16:10,902,158, plus strand): 5'-CCCTGCCCTGCCTGCCACTGCCTGCGCTGTTCAACCAGGAGCCAGCCTCCGGCCAGATGC[G>A]CCTGGAGAAAACCGACCAGATTCCCAGTATGTTAGGGGGCTTGGAGAGAGTGGGCTTTCT-3'
Protein context (NP_000237.2, residues 191-211): FNQEPASGQM[Arg201His]LEKTDQIPMP